The following is an entry in ClinVar:

ClinVar aggregate classification (germline): Uncertain significance. Review status: criteria provided, multiple submitters, no conflicts (2 of 4 stars). 3 submissions from 3 submitters: Uncertain significance (3). Last evaluated 2025-11-12.

Conditions:
Gastrointestinal stromal tumor. Also called: Gastrointestinal stromal tumor, somatic; Gastrointestinal stroma tumor. Identifiers: Orphanet 44890, MedGen C0238198, MeSH D046152, MONDO:0011719, OMIM 606764, HP:0100723.

Allele frequency attached by ClinVar (database versions not stated): gnomAD exomes below 0.00001.
gnomAD v4.1: 2 of 1,614,224 alleles (0.00012%); highest among the groups gnomAD compares: Admixed American, 0.0033%; no homozygotes.

Submissions (3):

Labcorp Genetics (formerly Invitae), Labcorp
Classification: Uncertain significance for Gastrointestinal stromal tumor. Last evaluated: 2025-11-12. Review status: criteria provided, single submitter. Criteria: Invitae Variant Classification Sherloc (09022015). Collection method: clinical testing. Allele origin: germline.
Comment: This sequence change replaces arginine, which is basic and polar, with lysine, which is basic and polar, at codon 55 of the KIT protein (p.Arg55Lys). This variant is not present in population databases (gnomAD no frequency). This variant has not been reported in the literature in individuals affected with KIT-related conditions. ClinVar contains an entry for this variant (Variation ID: 843105). An algorithm developed to predict the effect of missense changes on protein structure and function outputs the following: PolyPhen-2: "Benign". The lysine amino acid residue is found in multiple mammalian species, which suggests that this missense change does not adversely affect protein function. In summary, the available evidence is currently insufficient to determine the role of this variant in disease. Therefore, it has been classified as a Variant of Uncertain Significance.

Baylor Genetics
Classification: Uncertain significance for Gastrointestinal stromal tumor. Last evaluated: 2024-01-12. Review status: criteria provided, single submitter. Criteria: ACMG Guidelines, 2015. Collection method: clinical testing. Allele origin: unknown.

GeneDx
Classification: Uncertain significance. Last evaluated: 2023-05-05. Review status: criteria provided, single submitter. Criteria: GeneDx Variant Classification Process June 2021. Collection method: clinical testing. Allele origin: germline. Affected: yes.
Comment: Not observed at significant frequency in large population cohorts (gnomAD); In silico analysis supports that this missense variant does not alter protein structure/function; Has not been previously published as pathogenic or benign to our knowledge

NM_000222.3(KIT):c.164G>A (p.Arg55Lys)

Gene: KIT (KIT proto-oncogene, receptor tyrosine kinase; plus strand). Cytogenetic location: 4q12.
Variant type: single nucleotide variant.
Coding change: c.164G>A on transcript NM_000222.3 (MANE Select); coding-DNA position 164, G replaced by A.
Protein change: p.Arg55Lys; replaces arginine 55 with lysine.
Molecular consequence: missense variant.
Genome position (GRCh38, 1-based): chr4:54,695,608, G>A. VCF-style: chr4-54695608-G-A. GRCh37 (hg19) VCF-style: chr4-55561774-G-A.
Other names: c.164G>A, p.Arg55Lys (NM_001093772.2, NM_001385284.1, NM_001385285.1 and 4 more transcripts); short protein forms R55K.
Identifiers: ClinVar variation 843105 (VCV000843105.10), dbSNP rs1720008828, ClinGen allele CA356896965.